The following is an entry in ClinVar:

ClinVar aggregate classification (germline): Conflicting classifications of pathogenicity. Review status: criteria provided, conflicting classifications (1 of 4 stars). 2 submissions from 2 submitters: Uncertain significance (1); Likely benign (1). Last evaluated 2026-05-15.

Conditions:
Hereditary cancer-predisposing syndrome. Also called: Hereditary Cancer Syndrome; Tumor predisposition; Hereditary neoplastic syndrome; Neoplastic Syndromes, Hereditary. Identifiers: Orphanet 140162, MedGen C0027672, MeSH D009386, MONDO:0015356.
Hereditary diffuse gastric adenocarcinoma (HDGC). Also called: DIFFUSE GASTRIC AND LOBULAR BREAST CANCER SYNDROME. Identifiers: Orphanet 26106, MedGen C1708349, MONDO:0007648, OMIM 137215.

Allele frequency attached by ClinVar (database versions not stated): gnomAD exomes 0.00001 and below 0.00001.
gnomAD v4.1: 5 of 1,549,468 alleles (0.00032%); highest among the groups gnomAD compares: South Asian, 0.0012%; no homozygotes.

Submissions (2):

Ambry Genetics
Classification: Likely benign for Hereditary cancer-predisposing syndrome. Last evaluated: 2026-05-15. Review status: criteria provided, single submitter. Criteria: Ambry Variant Classification Scheme 2023. Collection method: clinical testing. Allele origin: germline.

Labcorp Genetics (formerly Invitae), Labcorp
Classification: Uncertain significance for Hereditary diffuse gastric adenocarcinoma. Last evaluated: 2023-08-23. Review status: criteria provided, single submitter. Criteria: Invitae Variant Classification Sherloc (09022015). Collection method: clinical testing. Allele origin: germline.
Comment: ClinVar contains an entry for this variant (Variation ID: 406626). This variant has not been reported in the literature in individuals affected with CDH1-related conditions. This variant is present in population databases (no rsID available, gnomAD 0.004%). This sequence change replaces serine, which is neutral and polar, with alanine, which is neutral and non-polar, at codon 19 of the CDH1 protein (p.Ser19Ala). In summary, the available evidence is currently insufficient to determine the role of this variant in disease. Therefore, it has been classified as a Variant of Uncertain Significance. Algorithms developed to predict the effect of missense changes on protein structure and function output the following: SIFT: "Not Available"; PolyPhen-2: "Benign"; Align-GVGD: "Not Available". The alanine amino acid residue is found in multiple mammalian species, which suggests that this missense change does not adversely affect protein function.

NM_004360.5(CDH1):c.55T>G (p.Ser19Ala)

Gene: CDH1 (cadherin 1; plus strand). Cytogenetic location: 16q22.1.
Variant type: single nucleotide variant.
Coding change: c.55T>G on transcript NM_004360.5 (MANE Select); coding-DNA position 55, T replaced by G.
Protein change: p.Ser19Ala; replaces serine 19 with alanine.
Molecular consequence: missense variant. On other transcripts: 5 prime UTR variant (2).
Genome position (GRCh38, 1-based): chr16:68,738,303, T>G. VCF-style: chr16-68738303-T-G. GRCh37 (hg19) VCF-style: chr16-68772206-T-G.
Other names: c.55T>G (LRG_301t1); c.55T>G, p.Ser19Ala (NM_001317184.2); c.-1561T>G (NM_001317185.2); c.-1765T>G (NM_001317186.2); short protein forms S19A.
Identifiers: ClinVar variation 406626 (VCV000406626.15), dbSNP rs1042391377, ClinGen allele CA16614953.